The following is an entry in ClinVar:

NM_030777.4(SLC2A10):c.923C>T (p.Ala308Val)

Gene: SLC2A10 (solute carrier family 2 member 10; plus strand). Cytogenetic location: 20q13.12.
Variant type: single nucleotide variant.
Coding change: c.923C>T on transcript NM_030777.4 (MANE Select); coding-DNA position 923, C replaced by T.
Protein change: p.Ala308Val; replaces alanine 308 with valine.
Molecular consequence: missense variant.
Genome position (GRCh38, 1-based): chr20:46,725,959, C>T. VCF-style: chr20-46725959-C-T. GRCh37 (hg19) VCF-style: chr20-45354598-C-T.
Other names: short protein forms A308V.
Identifiers: ClinVar variation 1329324 (VCV001329324.7), dbSNP rs776373143, ClinGen allele CA9892069.

ClinVar aggregate classification (germline): Uncertain significance. Review status: criteria provided, multiple submitters, no conflicts (2 of 4 stars). 5 submissions from 5 submitters: Uncertain significance (5). Last evaluated 2025-06-11.

Conditions:
Arterial tortuosity syndrome (ATORS). Identifiers: Orphanet 3342, MedGen C1859726, MONDO:0008818, OMIM 208050.
Familial thoracic aortic aneurysm and aortic dissection (TAAD). Also called: Thoracic aortic aneurysms and dissections. Identifiers: Orphanet 91387, MedGen C4707243, MONDO:0019625.

Allele frequency attached by ClinVar (database versions not stated): TOPMed below 0.00001; gnomAD exomes 0.00001 and 0.00003; gnomAD 0.00003; ExAC 0.00004.
gnomAD v4.1: 25 of 1,613,844 alleles (0.0015%); highest among the groups gnomAD compares: South Asian, 0.024%; no homozygotes.

Submissions (5):

GeneDx
Classification: Uncertain significance. Last evaluated: 2025-06-11. Review status: criteria provided, single submitter. Criteria: GeneDx Variant Classification Process June 2021. Collection method: clinical testing. Allele origin: germline. Affected: yes.
Comment: In silico analysis suggests that this missense variant does not alter protein structure/function; Has not been previously published as pathogenic or benign to our knowledge

Labcorp Genetics (formerly Invitae), Labcorp
Classification: Uncertain significance for Arterial tortuosity syndrome. Last evaluated: 2022-02-03. Review status: criteria provided, single submitter. Criteria: Invitae Variant Classification Sherloc (09022015). Collection method: clinical testing. Allele origin: germline.
Comment: This sequence change replaces alanine, which is neutral and non-polar, with valine, which is neutral and non-polar, at codon 308 of the SLC2A10 protein (p.Ala308Val). This variant is present in population databases (rs776373143, gnomAD 0.02%). This variant has not been reported in the literature in individuals affected with SLC2A10-related conditions. ClinVar contains an entry for this variant (Variation ID: 1329324). Advanced modeling of protein sequence and biophysical properties (such as structural, functional, and spatial information, amino acid conservation, physicochemical variation, residue mobility, and thermodynamic stability) performed at Invitae indicates that this missense variant is not expected to disrupt SLC2A10 protein function. In summary, the available evidence is currently insufficient to determine the role of this variant in disease. Therefore, it has been classified as a Variant of Uncertain Significance.

Ambry Genetics
Classification: Uncertain significance for Familial thoracic aortic aneurysm and aortic dissection. Last evaluated: 2021-08-07. Review status: criteria provided, single submitter. Criteria: Ambry Variant Classification Scheme 2023. Collection method: clinical testing. Allele origin: germline.
Comment: The p.A308V variant (also known as c.923C>T), located in coding exon 2 of the SLC2A10 gene, results from a C to T substitution at nucleotide position 923. The alanine at codon 308 is replaced by valine, an amino acid with similar properties. This amino acid position is conserved. In addition, the in silico prediction for this alteration is inconclusive. Since supporting evidence is limited at this time, the clinical significance of this alteration remains unclear.

Fulgent Genetics
Classification: Uncertain significance for Arterial tortuosity syndrome. Last evaluated: 2021-07-02. Review status: criteria provided, single submitter. Criteria: ACMG Guidelines, 2015. Collection method: clinical testing. Allele origin: unknown.

CHEO Genetics Diagnostic Laboratory, Children's Hospital of Eastern Ontario
Classification: Uncertain significance for Familial thoracic aortic aneurysm and aortic dissection. Last evaluated: 2021-01-18. Review status: criteria provided, single submitter. Criteria: ACMG Guidelines, 2015. Collection method: clinical testing. Allele origin: germline.